The following is an entry in ClinVar:

ClinVar aggregate classification (germline): Conflicting classifications of pathogenicity. Review status: criteria provided, conflicting classifications (1 of 4 stars). 3 submissions from 3 submitters: Uncertain significance (2); Likely benign (1). Last evaluated 2026-02-25.

Conditions:
Neonatal-onset encephalopathy with rigidity and seizures. Also called: Lethal neonatal spasticity-epileptic encephalopathy syndrome. Identifiers: Orphanet 435845, MedGen C3281029, MONDO:0013784, OMIM 614498.

Allele frequency attached by ClinVar (database versions not stated): gnomAD exomes 0.00002; gnomAD 0.00003; TOPMed 0.00005.

Submissions (3):

GeneDx
Classification: Uncertain significance. Last evaluated: 2026-02-25. Review status: criteria provided, single submitter. Criteria: GeneDx Variant Classification Process June 2021. Collection method: clinical testing. Allele origin: germline.
Comment: Not observed at significant frequency in large population cohorts (gnomAD); In silico analysis suggests that this missense variant does not alter protein structure/function; Has not been previously published as pathogenic or benign to our knowledge

Labcorp Genetics (formerly Invitae), Labcorp
Classification: Uncertain significance for Neonatal-onset encephalopathy with rigidity and seizures. Last evaluated: 2025-12-29. Review status: criteria provided, single submitter. Criteria: Invitae Variant Classification Sherloc (09022015). Collection method: clinical testing. Allele origin: germline.
Comment: This sequence change replaces arginine, which is basic and polar, with glutamine, which is neutral and polar, at codon 111 of the BRAT1 protein (p.Arg111Gln). The frequency data for this variant in the population databases is considered unreliable, as metrics indicate poor data quality at this position in the gnomAD database. This variant has not been reported in the literature in individuals affected with BRAT1-related conditions. ClinVar contains an entry for this variant (Variation ID: 657596). Invitae Evidence Modeling of protein sequence and biophysical properties (such as structural, functional, and spatial information, amino acid conservation, physicochemical variation, residue mobility, and thermodynamic stability) indicates that this missense variant is not expected to disrupt BRAT1 protein function with a negative predictive value of 95%. In summary, the available evidence is currently insufficient to determine the role of this variant in disease. Therefore, it has been classified as a Variant of Uncertain Significance.

Blueprint Genetics
Classification: Likely benign. Last evaluated: 2022-11-22. Review status: criteria provided, single submitter. Criteria: ACMG Guidelines, 2015. Collection method: clinical testing. Allele origin: germline.

NM_152743.4(BRAT1):c.332G>A (p.Arg111Gln)

Gene: BRAT1 (BRCA1 associated ATM activator 1; minus strand). Cytogenetic location: 7p22.3.
Variant type: single nucleotide variant.
Coding change: c.332G>A on transcript NM_152743.4 (MANE Select); coding-DNA position 332, G replaced by A.
Protein change: p.Arg111Gln; replaces arginine 111 with glutamine.
Molecular consequence: missense variant. On other transcripts: non-coding transcript variant (1), intron variant (1).
Genome position (GRCh38, 1-based): chr7:2,545,007, C>T on the plus strand (G>A on the coding strand, the complement: BRAT1 is on the minus strand). VCF-style: chr7-2545007-C-T. GRCh37 (hg19) VCF-style: chr7-2584641-C-T.
Other names: c.332G>A, p.Arg111Gln (NM_001350626.2); c.-95-1045G>A (NM_001350627.2); short protein forms R111Q.
Identifiers: ClinVar variation 657596 (VCV000657596.10), dbSNP rs752574307, ClinGen allele CA4128236.